The following is an entry in ClinVar:

NM_017777.4(MKS1):c.469G>A (p.Glu157Lys)

Gene: MKS1 (MKS transition zone complex subunit 1; minus strand). Cytogenetic location: 17q22.
Variant type: single nucleotide variant.
Coding change: c.469G>A on transcript NM_017777.4 (MANE Select); coding-DNA position 469, G replaced by A.
Protein change: p.Glu157Lys; replaces glutamic acid 157 with lysine.
Molecular consequence: missense variant. On other transcripts: intron variant (1).
Genome position (GRCh38, 1-based): chr17:58,214,787, C>T on the plus strand (G>A on the coding strand, the complement: MKS1 is on the minus strand). VCF-style: chr17-58214787-C-T. GRCh37 (hg19) VCF-style: chr17-56292148-C-T.
Other names: c.469G>A, p.Glu157Lys (NM_001321269.2, NM_001330397.2); c.-94-400G>A (NM_001321268.2); short protein forms E157K.
Identifiers: ClinVar variation 286541 (VCV000286541.13), dbSNP rs200970148, ClinGen allele CA8669513.

ClinVar aggregate classification (germline): Uncertain significance. Review status: criteria provided, multiple submitters, no conflicts (2 of 4 stars). 5 submissions from 5 submitters: Uncertain significance (4). 1 of the submissions does not count toward it. Last evaluated 2026-07-13.

Conditions:
Inborn genetic diseases. Identifiers: MedGen C0950123, MeSH D030342.
MKS1-related disorder. Also called: MKS1-related condition; MKS1-related disorders. Identifiers: MedGen CN239382.
Meckel syndrome, type 1 (MKS1). Also called: MECKEL-GRUBER SYNDROME, TYPE 1. Identifiers: Orphanet 564, MedGen C3714506, MONDO:0009571, OMIM 249000.
Meckel-Gruber syndrome. Also called: DYSENCEPHALIA SPLANCHNOCYSTICA; GRUBER SYNDROME; Dysencephalia splachnocystica. Identifiers: Orphanet 564, MedGen C0265215, MONDO:0018921.
Joubert syndrome. Also called: JOUBERT-BOLTSHAUSER SYNDROME; Familial aplasia of the vermis. Identifiers: Orphanet 475, MedGen C5979921, MONDO:0018772.

Allele frequency attached by ClinVar (database versions not stated): ExAC 0.00010; 1000 Genomes Project 30x 0.00016; gnomAD 0.00019 and 0.00020; TOPMed 0.00019; 1000 Genomes Project 0.00020; ESP Exome Variant Server 0.00024; gnomAD exomes 0.00002 and 0.00005.

Submissions (5):

PreventionGenetics, part of Exact Sciences
Classification: Uncertain significance for MKS1-related condition. Last evaluated: 2026-07-13. Review status: criteria provided, single submitter. Criteria: ACMG Guidelines, 2015. Collection method: clinical testing. Allele origin: germline.
Comment: The MKS1 c.469G>A variant is predicted to result in the amino acid substitution p.Glu157Lys. To our knowledge, this variant has not been reported in the literature. This variant is reported in 0.066% of alleles in individuals of African descent in gnomAD. Although we suspect that this variant may be benign, at this time, the clinical significance of this variant is uncertain due to the absence of conclusive functional and genetic evidence.

Ambry Genetics
Classification: Uncertain significance for Inborn genetic diseases. Last evaluated: 2025-01-16. Review status: criteria provided, single submitter. Criteria: Ambry Variant Classification Scheme 2023. Collection method: clinical testing. Allele origin: germline.

Labcorp Genetics (formerly Invitae), Labcorp
Classification: Uncertain significance for Joubert syndrome; Meckel-Gruber syndrome. Last evaluated: 2024-12-16. Review status: criteria provided, single submitter. Criteria: Invitae Variant Classification Sherloc (09022015). Collection method: clinical testing. Allele origin: germline.
Comment: This sequence change replaces glutamic acid, which is acidic and polar, with lysine, which is basic and polar, at codon 157 of the MKS1 protein (p.Glu157Lys). This variant is present in population databases (rs200970148, gnomAD 0.07%). This variant has not been reported in the literature in individuals affected with MKS1-related conditions. ClinVar contains an entry for this variant (Variation ID: 286541). Invitae Evidence Modeling of protein sequence and biophysical properties (such as structural, functional, and spatial information, amino acid conservation, physicochemical variation, residue mobility, and thermodynamic stability) indicates that this missense variant is not expected to disrupt MKS1 protein function with a negative predictive value of 80%. In summary, the available evidence is currently insufficient to determine the role of this variant in disease. Therefore, it has been classified as a Variant of Uncertain Significance.

Eurofins Ntd Llc (ga)
Classification: Uncertain significance. Last evaluated: 2018-05-22. Review status: criteria provided, single submitter. Criteria: EGL ClinVar v180209 classification definitions. Collection method: clinical testing. Allele origin: germline. Observed: 2 variant alleles, 2 heterozygotes.

Natera, Inc.
Classification: Uncertain significance for Meckel syndrome type 1. Last evaluated: 2019-11-11. Review status: no assertion criteria provided. Collection method: clinical testing. Allele origin: germline. Not counted in ClinVar's aggregate classification.